The following is an entry in ClinVar:

NM_005188.4(CBL):c.2482C>T (p.Pro828Ser)

Gene: CBL (Cbl proto-oncogene; plus strand). Cytogenetic location: 11q23.3.
Variant type: single nucleotide variant.
Coding change: c.2482C>T on transcript NM_005188.4 (MANE Select); coding-DNA position 2482, C replaced by T.
Protein change: p.Pro828Ser; replaces proline 828 with serine.
Molecular consequence: missense variant.
Genome position (GRCh38, 1-based): chr11:119,299,542, C>T. VCF-style: chr11-119299542-C-T. GRCh37 (hg19) VCF-style: chr11-119170252-C-T.
Other names: c.2482C>T (NM_005188.2); short protein forms P828S.
Identifiers: ClinVar variation 1337220 (VCV001337220.10), dbSNP rs371026706, ClinGen allele CA6318795.

ClinVar aggregate classification (germline): Conflicting classifications of pathogenicity. Review status: criteria provided, conflicting classifications (1 of 4 stars). 4 submissions from 4 submitters: Uncertain significance (3); Likely benign (1). Last evaluated 2025-10-01.

Conditions:
RASopathy. Also called: rasopathies; Noonan spectrum disorder. Identifiers: Orphanet 536391, MedGen C5555857, MONDO:0021060.
Cardiovascular phenotype. Identifiers: MedGen CN230736.

Allele frequency attached by ClinVar (database versions not stated): gnomAD 0.00005; ESP Exome Variant Server 0.00008; gnomAD exomes below 0.00001; ExAC 0.00001; TOPMed 0.00003.
gnomAD v4.1: 7 of 1,614,024 alleles (0.00043%); highest among the groups gnomAD compares: African/African-American, 0.0093%; no homozygotes.

Submissions (4):

Labcorp Genetics (formerly Invitae), Labcorp
Classification: Likely benign for RASopathy. Last evaluated: 2025-10-01. Review status: criteria provided, single submitter. Criteria: Invitae Variant Classification Sherloc (09022015). Collection method: clinical testing. Allele origin: germline.

Women's Health and Genetics/Laboratory Corporation of America, LabCorp
Classification: Uncertain significance. Last evaluated: 2025-06-26. Review status: criteria provided, single submitter. Criteria: LabCorp Variant Classification Summary - May 2015. Collection method: clinical testing. Allele origin: germline.
Comment: Variant summary: CBL c.2482C>T (p.Pro828Ser) results in a non-conservative amino acid change in the encoded protein sequence. Algorithms developed to predict the effect of missense changes on protein structure and function all suggest that this variant is likely to be disruptive. The variant allele was found at a frequency of 4e-06 in 251448 control chromosomes. The available data on variant occurrences in the general population are insufficient to allow any conclusion about variant significance. To our knowledge, no occurrence of c.2482C>T in individuals affected with Noonan Syndrome And Related Conditions and no experimental evidence demonstrating its impact on protein function have been reported. ClinVar contains an entry for this variant (Variation ID: 1337220). Based on the evidence outlined above, the variant was classified as uncertain significance.

Ambry Genetics
Classification: Uncertain significance for Cardiovascular phenotype. Last evaluated: 2024-12-04. Review status: criteria provided, single submitter. Criteria: Ambry Variant Classification Scheme 2023. Collection method: clinical testing. Allele origin: germline.
Comment: The p.P828S variant (also known as c.2482C>T), located in coding exon 16 of the CBL gene, results from a C to T substitution at nucleotide position 2482. The proline at codon 828 is replaced by serine, an amino acid with similar properties. This amino acid position is conserved. In addition, this alteration is predicted to be deleterious by in silico analysis. Based on the available evidence, the clinical significance of this variant remains unclear.

Genetic Services Laboratory, University of Chicago
Classification: Uncertain significance. Last evaluated: 2019-06-26. Review status: criteria provided, single submitter. Criteria: ACMG Guidelines, 2015. Collection method: clinical testing. Allele origin: germline. Affected: no.